The following is an entry in ClinVar:

NM_000334.4(SCN4A):c.4915C>G (p.Arg1639Gly)

Genes: GH-LCR (growth hormone locus control region; plus strand), SCN4A (sodium voltage-gated channel alpha subunit 4; minus strand). Cytogenetic location: 17q23.3.
Variant type: single nucleotide variant.
Coding change: c.4915C>G on transcript NM_000334.4 (MANE Select); coding-DNA position 4915, C replaced by G.
Protein change: p.Arg1639Gly; replaces arginine 1639 with glycine.
Molecular consequence: missense variant.
Genome position (GRCh38, 1-based): chr17:63,941,367, G>C on the plus strand (C>G on the coding strand, the complement: SCN4A is on the minus strand). VCF-style: chr17-63941367-G-C. GRCh37 (hg19) VCF-style: chr17-62018727-G-C.
Other names: short protein forms R1639G.
Identifiers: ClinVar variation 1390475 (VCV001390475.9), dbSNP rs776231847, ClinGen allele CA8708875.

ClinVar aggregate classification (germline): Uncertain significance. Review status: criteria provided, multiple submitters, no conflicts (2 of 4 stars). 2 submissions from 2 submitters: Uncertain significance (2). Last evaluated 2024-10-02.

Conditions:
Paramyotonia congenita of Von Eulenburg. Also called: PARALYSIS PERIODICA PARAMYOTONICA; Paramyotonia Congenita; Eulenburg disease; Myotonia congenita intermittens; Von Eulenburg paramyotonia congenita. Identifiers: Orphanet 684, MedGen C0221055, MONDO:0008195, OMIM 168300. Disease mechanism: loss of function.
Congenital myasthenic syndrome 16. Identifiers: Orphanet 590, MedGen C3280112, MONDO:0013620, OMIM 614198.
Potassium-aggravated myotonia. Also called: MYOTONIA CONGENITA, ACETAZOLAMIDE-RESPONSIVE; MYOTONIA CONGENITA, ATYPICAL; SODIUM CHANNEL MUSCLE DISEASE; Myotonia congenita, atypical, acetazolamide-responsive. Identifiers: Orphanet 612, Orphanet 99734, Orphanet 99735, Orphanet 99736, MedGen C2931826, MONDO:0018959, OMIM 608390.
Hypokalemic periodic paralysis, type 2 (HOKPP2). Identifiers: Orphanet 681, MedGen C2750061, MONDO:0013234, OMIM 613345.
Hyperkalemic periodic paralysis. Also called: Familial hyperkalemic periodic paralysis; Gamstorp disease. Identifiers: Orphanet 682, MedGen C0238357, MONDO:0008224, OMIM 170500, HP:0007215.
Congenital myopathy 22A, classic (CMYO22A). Identifiers: MedGen C5830453, MONDO:0957247, OMIM 620351.
Congenital myopathy 22B, severe fetal (CMYO22B). Identifiers: MedGen C5830501, MONDO:0957265, OMIM 620369.

Allele frequency attached by ClinVar (database versions not stated): ExAC 0.00003; gnomAD 0.00001.
gnomAD v4.1: 16 of 1,613,810 alleles (0.00099%); highest among the groups gnomAD compares: South Asian, 0.011%; no homozygotes.

Submissions (2):

Labcorp Genetics (formerly Invitae), Labcorp
Classification: Uncertain significance for Hyperkalemic periodic paralysis. Last evaluated: 2024-10-02. Review status: criteria provided, single submitter. Criteria: Invitae Variant Classification Sherloc (09022015). Collection method: clinical testing. Allele origin: germline.
Comment: This sequence change replaces arginine, which is basic and polar, with glycine, which is neutral and non-polar, at codon 1639 of the SCN4A protein (p.Arg1639Gly). This variant is present in population databases (rs776231847, gnomAD 0.01%). This variant has not been reported in the literature in individuals affected with SCN4A-related conditions. ClinVar contains an entry for this variant (Variation ID: 1390475). Invitae Evidence Modeling of protein sequence and biophysical properties (such as structural, functional, and spatial information, amino acid conservation, physicochemical variation, residue mobility, and thermodynamic stability) indicates that this missense variant is not expected to disrupt SCN4A protein function with a negative predictive value of 80%. In summary, the available evidence is currently insufficient to determine the role of this variant in disease. Therefore, it has been classified as a Variant of Uncertain Significance.

Fulgent Genetics
Classification: Uncertain significance for Paramyotonia congenita of Von Eulenburg; Hyperkalemic periodic paralysis; Potassium-aggravated myotonia; Hypokalemic periodic paralysis, type 2; Congenital myasthenic syndrome 16; Congenital myopathy 22A, classic; Congenital myopathy 22B, severe fetal. Last evaluated: 2024-01-08. Review status: criteria provided, single submitter. Criteria: ACMG Guidelines, 2015. Collection method: clinical testing. Allele origin: germline.